The following is an entry in ClinVar:

ClinVar aggregate classification (germline): Uncertain significance (1 of 4 stars; one submission).

Conditions:
Cardiovascular phenotype. Identifiers: MedGen CN230736.

gnomAD v4.1: 1 of 1,614,008 alleles (0.000062%); highest among the groups gnomAD compares: Non-Finnish European, 0.000085%; no homozygotes.

Submission:

Ambry Genetics
Classification: Uncertain significance for Cardiovascular phenotype. Last evaluated: 2023-07-05. Review status: criteria provided, single submitter. Criteria: Ambry Variant Classification Scheme 2023. Collection method: clinical testing. Allele origin: germline.
Comment: The p.P3878S variant (also known as c.11632C>T), located in coding exon 44 of the ANK2 gene, results from a C to T substitution at nucleotide position 11632. The proline at codon 3878 is replaced by serine, an amino acid with similar properties. This variant has been detected in an individual with autism spectrum disorder (Guo H et al. Mol Autism, 2018 Dec;9:64). This amino acid position is not well conserved in available vertebrate species. In addition, the in silico prediction for this alteration is inconclusive. Since supporting evidence is limited at this time, the clinical significance of this alteration remains unclear.

Literature cited by the submitters: PubMed 30564305.

NM_001148.6(ANK2):c.11632C>T (p.Pro3878Ser)

Gene: ANK2 (ankyrin 2; plus strand). Cytogenetic location: 4q26.
Variant type: single nucleotide variant.
Coding change: c.11632C>T on transcript NM_001148.6 (MANE Select); coding-DNA position 11632, C replaced by T.
Protein change: p.Pro3878Ser; replaces proline 3878 with serine.
Molecular consequence: missense variant. On other transcripts: intron variant (1).
Genome position (GRCh38, 1-based): chr4:113,373,111, C>T. VCF-style: chr4-113373111-C-T. GRCh37 (hg19) VCF-style: chr4-114294267-C-T.
Other names: c.5350C>T, p.Pro1784Ser (NM_001127493.3); c.5389C>T, p.Pro1797Ser (NM_001354225.2); c.5371C>T, p.Pro1791Ser (NM_001354228.2); c.5356C>T, p.Pro1786Ser (NM_001354230.2); c.5512C>T, p.Pro1838Ser (NM_001354231.2); c.5506C>T, p.Pro1836Ser (NM_001354232.2); c.5467C>T, p.Pro1823Ser (NM_001354235.2); c.5275C>T, p.Pro1759Ser (NM_001354236.2); and 44 more; short protein forms P1632S, P1665S, P1720S, P1729S, P1731S, P1735S, P1738S, P1746S.
Identifiers: ClinVar variation 2585792 (VCV002585792.2), dbSNP rs369756604, ClinGen allele CA357943365.
Genomic context (GRCh38, chr4:113,373,111, plus strand): 5'-GCCAAACACCACAGTGACCCTTTTCTCTCAACTGTTTAGGGAGACGATATGCCTGAAATA[C>T]CCCCAGAAACAGTCACAGAAGAAGAATACATTGATGAGCATGGACACACCGTGGTAAAGA-3'
Protein context (NP_001139.3, residues 3868-3888): FEKGDDMPEI[Pro3878Ser]PETVTEEEYI